The following is an entry in ClinVar:

ClinVar aggregate classification (germline): Pathogenic (1 of 4 stars; one submission).

Conditions:
Hypertrophic cardiomyopathy 4. Also called: Familial hypertrophic cardiomyopathy 4. Identifiers: MedGen C1861862, MONDO:0007268, OMIM 115197.

Submission:

Molecular Genetics Laboratory, Motol Hospital
Classification: Pathogenic for Hypertrophic cardiomyopathy 4. Last evaluated: 2026-06-04. Review status: criteria provided, single submitter. Criteria: ACMG Guidelines, 2015. Collection method: clinical testing. Allele origin: germline. Affected: yes. Observed: 1 variant allele.
Comment: A rare variant not present in non-Finnish European population (PM2). Rare truncating variants in the MYBPC3 gene are associated with autosomal dominant familial hypertrophic cardiomyopathy (PVS1). The variant is classified as pathogenic.

Literature cited by the submitters: PubMed 31877118; PubMed 37445689; PubMed 11499719.

NM_000256.3(MYBPC3):c.181_202del (p.Gly61fs)

Gene: MYBPC3 (myosin binding protein C3; minus strand). Cytogenetic location: 11p11.2.
Variant type: Deletion.
Coding change: c.181_202del on transcript NM_000256.3 (MANE Select); coding-DNA positions 181 to 202, 22 bases deleted (GGCACACGGCATACGCTGACAG).
Protein change: p.Gly61fs; shifts the reading frame from glycine 61.
Molecular consequence: frameshift variant.
Genome position (GRCh38, 1-based): chr11:47,351,329-47,351,350, CTGTCAGCGTATGCCGTGTGCC deleted on the plus strand (GGCACACGGCATACGCTGACAG on the coding strand, the reverse complement: MYBPC3 is on the minus strand); deleting any 22 consecutive bases within chr11:47,351,329-47,351,352 gives the same sequence; the c. name uses the placement nearest the transcript's 3' end. VCF-style (leftmost placement, unchanged base first): chr11-47351328-ACTGTCAGCGTATGCCGTGTGCC-A. GRCh37 (hg19) VCF-style: chr11-47372879-ACTGTCAGCGTATGCCGTGTGCC-A.
Other names: short protein forms G61fs.
Identifiers: ClinVar variation 4856613 (VCV004856613.1).